The following is an entry in ClinVar:

NM_177438.3(DICER1):c.5077C>T (p.His1693Tyr)

Gene: DICER1 (dicer 1, ribonuclease III; minus strand). Cytogenetic location: 14q32.13.
Variant type: single nucleotide variant.
Coding change: c.5077C>T on transcript NM_177438.3 (MANE Select); coding-DNA position 5077, C replaced by T.
Protein change: p.His1693Tyr; replaces histidine 1693 with tyrosine.
Molecular consequence: missense variant. On other transcripts: non-coding transcript variant (6).
Genome position (GRCh38, 1-based): chr14:95,095,843, G>A on the plus strand (C>T on the coding strand, the complement: DICER1 is on the minus strand). VCF-style: chr14-95095843-G-A. GRCh37 (hg19) VCF-style: chr14-95562180-G-A.
Other names: c.5077C>T, p.His1693Tyr (NM_001195573.1, NM_001271282.3, NM_001291628.2 and 13 more transcripts); c.4795C>T, p.His1599Tyr (NM_001395686.1); c.4672C>T, p.His1558Tyr (NM_001395687.1, NM_001395688.1, NM_001395689.1 and 2 more transcripts); c.4510C>T, p.His1504Tyr (NM_001395691.1); c.3394C>T, p.His1132Tyr (NM_001395697.1); short protein forms H1504Y, H1558Y, H1132Y, H1599Y, H1693Y.
Identifiers: ClinVar variation 2819973 (VCV002819973.3), dbSNP rs1555367487, ClinGen allele CA390865927.

ClinVar aggregate classification (germline): Uncertain significance (1 of 4 stars; one submission).

Conditions:
DICER1-related tumor predisposition. Also called: DICER1-related pleuropulmonary blastoma cancer predisposition syndrome; DICER1 syndrome. Identifiers: Orphanet 284343, MedGen C3839822, MONDO:0100216.

Submission:

Labcorp Genetics (formerly Invitae), Labcorp
Classification: Uncertain significance for DICER1-related tumor predisposition. Last evaluated: 2022-12-10. Review status: criteria provided, single submitter. Criteria: Invitae Variant Classification Sherloc (09022015). Collection method: clinical testing. Allele origin: germline.
Comment: In summary, the available evidence is currently insufficient to determine the role of this variant in disease. Therefore, it has been classified as a Variant of Uncertain Significance. Advanced modeling of protein sequence and biophysical properties (such as structural, functional, and spatial information, amino acid conservation, physicochemical variation, residue mobility, and thermodynamic stability) performed at Invitae indicates that this missense variant is not expected to disrupt DICER1 protein function. This variant has not been reported in the literature in individuals affected with DICER1-related conditions. This variant is not present in population databases (gnomAD no frequency). This sequence change replaces histidine, which is basic and polar, with tyrosine, which is neutral and polar, at codon 1693 of the DICER1 protein (p.His1693Tyr).